The following is an entry in ClinVar:

NM_005228.5(EGFR):c.2020G>T (p.Val674Phe)

Gene: EGFR (epidermal growth factor receptor; plus strand). Cytogenetic location: 7p11.2.
Variant type: single nucleotide variant.
Coding change: c.2020G>T on transcript NM_005228.5 (MANE Select); coding-DNA position 2020, G replaced by T.
Protein change: p.Val674Phe; replaces valine 674 with phenylalanine.
Molecular consequence: missense variant.
Genome position (GRCh38, 1-based): chr7:55,173,083, G>T. VCF-style: chr7-55173083-G-T. GRCh37 (hg19) VCF-style: chr7-55240776-G-T.
Other names: c.2020G>T (NM_005228.3); c.1885G>T, p.Val629Phe (NM_001346897.2, NM_001346899.2); c.2020G>T, p.Val674Phe (NM_001346898.2); c.1861G>T, p.Val621Phe (NM_001346900.2); c.1219G>T, p.Val407Phe (NM_001346941.2); short protein forms V407F, V629F, V621F, V674F.
Identifiers: ClinVar variation 1357631 (VCV001357631.9), dbSNP rs17337079, ClinGen allele CA4265942.

ClinVar aggregate classification (germline): Uncertain significance. Review status: criteria provided, multiple submitters, no conflicts (2 of 4 stars). 2 submissions from 2 submitters: Uncertain significance (2). Last evaluated 2025-11-13.

Conditions:
Hereditary cancer-predisposing syndrome. Also called: Tumor predisposition; Hereditary neoplastic syndrome; Neoplastic Syndromes, Hereditary; Hereditary Cancer Syndrome. Identifiers: Orphanet 140162, MedGen C0027672, MeSH D009386, MONDO:0015356.
EGFR-related lung cancer (EGFR). Identifiers: MedGen CN130014.

gnomAD v4.1: 4 of 1,612,792 alleles (0.00025%); highest among the groups gnomAD compares: Admixed American, 0.0017%; no homozygotes.

Submissions (2):

Ambry Genetics
Classification: Uncertain significance for Hereditary cancer-predisposing syndrome. Last evaluated: 2025-11-13. Review status: criteria provided, single submitter. Criteria: Ambry Variant Classification Scheme 2023. Collection method: clinical testing. Allele origin: germline.
Comment: The p.V674F variant (also known as c.2020G>T), located in coding exon 17 of the EGFR gene, results from a G to T substitution at nucleotide position 2020. The valine at codon 674 is replaced by phenylalanine, an amino acid with highly similar properties. This amino acid position is well conserved in available vertebrate species. In addition, this alteration is predicted to be tolerated by in silico analysis. Based on the available evidence, the clinical significance of this variant remains unclear.

Labcorp Genetics (formerly Invitae), Labcorp
Classification: Uncertain significance for EGFR-related lung cancer. Last evaluated: 2025-11-10. Review status: criteria provided, single submitter. Criteria: Invitae Variant Classification Sherloc (09022015). Collection method: clinical testing. Allele origin: germline.
Comment: This sequence change replaces valine, which is neutral and non-polar, with phenylalanine, which is neutral and non-polar, at codon 674 of the EGFR protein (p.Val674Phe). This variant is present in population databases (rs17337079, gnomAD 0.003%). This variant has not been reported in the literature in individuals affected with EGFR-related conditions. ClinVar contains an entry for this variant (Variation ID: 1357631). Invitae Evidence Modeling of protein sequence and biophysical properties (such as structural, functional, and spatial information, amino acid conservation, physicochemical variation, residue mobility, and thermodynamic stability) indicates that this missense variant is not expected to disrupt EGFR protein function with a negative predictive value of 80%. In summary, the available evidence is currently insufficient to determine the role of this variant in disease. Therefore, it has been classified as a Variant of Uncertain Significance.